The following is an entry in ClinVar:

NM_025000.4(DCAF17):c.436del (p.Ala147fs)

Gene: DCAF17 (DDB1 and CUL4 associated factor 17; plus strand). Cytogenetic location: 2q31.1.
Variant type: Deletion.
Coding change: c.436del on transcript NM_025000.4 (MANE Select); coding-DNA position 436, one base deleted (C; older notation c.436delC).
Protein change: p.Ala147fs; shifts the reading frame from alanine 147.
Molecular consequence: frameshift variant. On other transcripts: non-coding transcript variant (1).
Genome position (GRCh38, 1-based): chr2:171,448,795, C deleted. VCF-style (leftmost placement, unchanged base first): chr2-171448794-TC-T. GRCh37 (hg19) VCF-style: chr2-172305304-TC-T.
Other names: c.436delC (NM_001164821.2, NM_025000.4); c.436del, p.Ala147fs (NM_001164821.2); short protein forms A147fs.
Identifiers: ClinVar variation 209146 (VCV000209146.65), dbSNP rs797045038, ClinGen allele CA276138.

ClinVar aggregate classification (germline): Pathogenic. Review status: criteria provided, multiple submitters, no conflicts (2 of 4 stars). 16 submissions from 16 submitters: Pathogenic (13). 3 of the submissions do not count toward it. Last evaluated 2026-06-22.

Conditions:
DCAF17-related disorder. Also called: DCAF17-related condition.
Woodhouse-Sakati syndrome. Also called: EXTRAPYRAMIDAL DISORDER, PROGRESSIVE, WITH PRIMARY HYPOGONADISM, MENTAL RETARDATION, AND ALOPECIA; Hypogonadism, Alopecia, Diabetes Mellitus, Mental Retardation, and Extrapyramidal Syndrome; Hypogonadism, diabetes mellitus, alopecia, mental retardation and electrocardiographic abnormalities. Identifiers: Orphanet 3464, MedGen C0342286, MONDO:0009419, OMIM 241080.

Allele frequency attached by ClinVar (database versions not stated): gnomAD exomes 0.00001.

Submissions (16):

PreventionGenetics, part of Exact Sciences
Classification: Pathogenic for DCAF17-related condition. Last evaluated: 2026-06-22. Review status: criteria provided, single submitter. Criteria: ACMG Guidelines, 2015. Collection method: clinical testing. Allele origin: germline.
Comment: The DCAF17 c.436delC variant is predicted to result in a frameshift and premature protein termination (p.Ala147Hisfs*9). This variant has been reported in multiple families with autosomal recessive Woodhouse-Sakati syndrome (see for example: Alazami et al. 2008. PubMed ID: 19026396; Table S3, Maddirevula et al. 2020. PubMed ID: 32552793; Nanda et al. 2014. PubMed ID: 24015686). This variant has not been reported in a large population database (gnomAD), indicating this variant is rare. Frameshift variants in DCAF17 are expected to be pathogenic. This variant is interpreted as pathogenic.

3billion
Classification: Pathogenic for Woodhouse-Sakati syndrome. Last evaluated: 2026-01-19. Review status: criteria provided, single submitter. Criteria: ACMG Guidelines, 2015. Collection method: clinical testing. Allele origin: germline. Affected: yes.
Comment: The variant is observed at an extremely low frequency in the gnomAD v4.1.0 dataset (total allele frequency: <0.001%). Predicted Consequence/Location: Frameshift: predicted to result in a loss or disruption of normal protein function through nonsense-mediated decay (NMD) or protein truncation. Multiple pathogenic variants are reported downstream of the variant. The variant has been reported at least twice as pathogenic with clinical assertions and evidence for the classification (ClinVar ID: VCV000209146 /PMID: 19026396). Therefore, this variant is classified as Pathogenic according to the recommendation of ACMG/AMP guideline.

Victorian Clinical Genetics Services, Murdoch Childrens Research Institute
Classification: Pathogenic for Woodhouse-Sakati syndrome. Last evaluated: 2024-11-13. Review status: criteria provided, single submitter. Criteria: ACMG Guidelines, 2015. Collection method: clinical testing. Allele origin: germline. Affected: yes.
Comment: This variant is classified as Pathogenic. Evidence in support of pathogenic classification: Variant is predicted to cause nonsense-mediated decay (NMD) and loss of protein (premature termination codon is located at least 54 nucleotides upstream of the final exon-exon junction); Variant is present in gnomAD <0.01 for a recessive condition (v4: 14 heterozygote(s), 0 homozygote(s)); This variant has strong previous evidence of pathogenicity in unrelated individuals. This variant has been classified as pathogenic by multiple clinical laboratories (ClinVar); Other NMD-predicted variant(s) comparable to the one identified in this case have very strong previous evidence for pathogenicity (DECIPHER). Additional information: This variant is homozygous; This gene is associated with autosomal recessive disease; Loss of function is a known mechanism of disease in this gene and is associated with Woodhouse-Sakati syndrome (MIM#241080); Variants in this gene are known to have variable expressivity. Intrafamilial variation has been observed (OMIM).

Genomic Medicine Center of Excellence, King Faisal Specialist Hospital and Research Centre
Classification: Pathogenic for Woodhouse-Sakati syndrome. Last evaluated: 2023-05-08. Review status: criteria provided, single submitter. Criteria: ACMG Guidelines, 2015. Collection method: research. Allele origin: germline. Affected: yes.

CeGaT Center for Human Genetics Tuebingen
Classification: Pathogenic. Last evaluated: 2022-05-01. Review status: criteria provided, single submitter. Criteria: CeGaT Center For Human Genetics Tuebingen Variant Classification Criteria Version 2. Collection method: clinical testing. Allele origin: germline. Affected: yes. Observed: 1 variant allele.
Comment: DCAF17: PVS1, PM2, PM3:Supporting

Revvity Omics, Revvity
Classification: Pathogenic for Woodhouse-Sakati syndrome. Last evaluated: 2021-12-21. Review status: criteria provided, single submitter. Criteria: ACMG Guidelines, 2015. Collection method: clinical testing. Allele origin: germline.

GeneDx
Classification: Pathogenic. Last evaluated: 2021-11-01. Review status: criteria provided, single submitter. Criteria: GeneDx Variant Classification Process June 2021. Collection method: clinical testing. Allele origin: germline. Affected: yes.
Comment: Frameshift variant predicted to result in protein truncation or nonsense mediated decay in a gene for which loss-of-function is a known mechanism of disease; Not observed in large population cohorts (gnomAD); This variant is associated with the following publications: (PMID: 26633545, 6876115, 26664771, 24015686, 29574468, 32033986, 32552793, 33543475, 31589614, 33144682, 33098801, 19026396)

Institute of Medical Genetics and Applied Genomics, University Hospital Tübingen
Classification: Pathogenic. Last evaluated: 2021-09-15. Review status: criteria provided, single submitter. Criteria: ACMG Guidelines, 2015. Collection method: clinical testing. Allele origin: germline. Inheritance: Autosomal recessive inheritance. Affected: yes.

Labcorp Genetics (formerly Invitae), Labcorp
Classification: Pathogenic for Woodhouse-Sakati syndrome. Last evaluated: 2021-08-15. Review status: criteria provided, single submitter. Criteria: Invitae Variant Classification Sherloc (09022015). Collection method: clinical testing. Allele origin: germline.
Comment: For these reasons, this variant has been classified as Pathogenic. ClinVar contains an entry for this variant (Variation ID: 209146). This premature translational stop signal has been observed in individuals with Woodhouse-Sakati syndrome (PMID: 19026396, 24015686, 26664771). It has also been observed to segregate with disease in related individuals. This variant is not present in population databases (ExAC no frequency). This sequence change creates a premature translational stop signal (p.Ala147Hisfs*9) in the DCAF17 gene. It is expected to result in an absent or disrupted protein product. Loss-of-function variants in DCAF17 are known to be pathogenic (PMID: 19026396, 20507343).

Eurofins Ntd Llc (ga)
Classification: Pathogenic. Last evaluated: 2016-03-05. Review status: criteria provided, single submitter. Criteria: EGL Classification Definitions 2015. Collection method: clinical testing. Allele origin: germline. Observed: 1 variant allele, 1 homozygote.

Genetic Services Laboratory, University of Chicago
Classification: Pathogenic for Woodhouse-Sakati syndrome. Last evaluated: 2015-05-05. Review status: criteria provided, single submitter. Criteria: ACMG Guidelines, 2015. Collection method: clinical testing. Allele origin: germline. Affected: yes.

Baylor Genetics
Classification: Pathogenic for Hypogonadism, diabetes mellitus, alopecia, mental retardation and electrocardiographic abnormalities. Last evaluated: 2014-10-24. Review status: criteria provided, single submitter. Criteria: Yang et al. 2013. Collection method: clinical testing. Allele origin: germline. Inheritance: Autosomal recessive inheritance. Affected: yes. Observed: 2 variant alleles, 1 heterozygote, 1 homozygote. Study: Adult_WES.
Comment: Variant pathogenic in recessive state; heterozygotes are carriers.

Laboratoire de Génétique Moléculaire, CHU Bordeaux
Classification: Pathogenic. Review status: criteria provided, single submitter. Criteria: ACMG Guidelines, 2015. Collection method: clinical testing. Allele origin: germline. Affected: yes.

Biochemical Molecular Genetic Laboratory, King Abdulaziz Medical City
Classification: Pathogenic for Woodhouse-Sakati syndrome. Last evaluated: 2019-08-25. Review status: no assertion criteria provided. Collection method: clinical testing. Allele origin: germline. Affected: yes. Not counted in ClinVar's aggregate classification.

OMIM
Classification: Pathogenic for WOODHOUSE-SAKATI SYNDROME. Last evaluated: 2008-12-01. Review status: no assertion criteria provided. Collection method: literature only. Allele origin: germline. Not counted in ClinVar's aggregate classification.

GeneReviews
No classification provided. Condition: Woodhouse-Sakati syndrome. Review status: no classification provided. Collection method: literature only. Allele origin: germline. Not counted in ClinVar's aggregate classification.

Literature cited by the submitters: PubMed 19026396 (cited by 5 submitters); PubMed 24015686 (cited by Labcorp Genetics (formerly Invitae), Labcorp); PubMed 26664771 (cited by Labcorp Genetics (formerly Invitae), Labcorp); PubMed 20507343 (cited by Labcorp Genetics (formerly Invitae), Labcorp); PubMed 26633545 (cited by Baylor Genetics); PubMed 6876115 (cited by OMIM); PubMed 21964978 (cited by GeneReviews); PubMed 27489925 (cited by GeneReviews).